The following is an entry in ClinVar:

ClinVar aggregate classification (germline): Uncertain significance (1 of 4 stars; one submission).

Conditions:
TENM4-related disorder. Also called: TENM4-related condition.

gnomAD v4.1: 3 of 1,613,942 alleles (0.00019%); highest among the groups gnomAD compares: East Asian, 0.0022%; no homozygotes.

Submission:

PreventionGenetics, part of Exact Sciences
Classification: Uncertain significance for TENM4-related condition. Last evaluated: 2024-10-13. Review status: criteria provided, single submitter. Criteria: ACMG Guidelines, 2015. Collection method: clinical testing. Allele origin: germline.
Comment: The TENM4 c.7907G>C variant is predicted to result in the amino acid substitution p.Gly2636Ala. To our knowledge, this variant has not been reported in the literature. This variant is reported in 0.0051% of alleles in individuals of East Asian descent in gnomAD. At this time, the clinical significance of this variant is uncertain due to the absence of conclusive functional and genetic evidence.

NM_001098816.3(TENM4):c.7907G>C (p.Gly2636Ala)

Gene: TENM4 (teneurin transmembrane protein 4; minus strand). Cytogenetic location: 11q14.1.
Variant type: single nucleotide variant.
Coding change: c.7907G>C on transcript NM_001098816.3 (MANE Select); coding-DNA position 7907, G replaced by C.
Protein change: p.Gly2636Ala; replaces glycine 2636 with alanine.
Molecular consequence: missense variant.
Genome position (GRCh38, 1-based): chr11:78,658,461, C>G on the plus strand (G>C on the coding strand, the complement: TENM4 is on the minus strand). VCF-style: chr11-78658461-C-G. GRCh37 (hg19) VCF-style: chr11-78369506-C-G.
Other names: short protein forms G2636A.
Identifiers: ClinVar variation 4984476 (VCV004984476.1).